The following is an entry in ClinVar:

NM_003661.4(APOL1):c.188-46A>G

Gene: APOL1 (apolipoprotein L1; plus strand). Cytogenetic location: 22q12.3.
Variant type: single nucleotide variant.
Coding change: c.188-46A>G on transcript NM_003661.4 (MANE Select); 46 bases into the intron before coding-DNA position 188, A replaced by G.
Molecular consequence: intron variant.
Genome position (GRCh38, 1-based): chr22:36,261,550, A>G. VCF-style: chr22-36261550-A-G. GRCh37 (hg19) VCF-style: chr22-36657596-A-G.
Other names: c.236-46A>G (NM_145343.3); c.188-46A>G (NM_001136540.2); c.134-46A>G (NM_001362927.2, NM_001136541.2).
Identifiers: ClinVar variation 1240866 (VCV001240866.6), dbSNP rs713929, ClinGen allele CA10208584.
Genomic context (GRCh38, chr22:36,261,550, plus strand): 5'-ACATCACAGCTGTCCAGGAAAATTAACATGTAGTCATCTCTTATGCAATGGCTGTTATGC[A>G]CTCCCACACTTTCCTCCAACCTTATCCTTTCTTCTTTCCAACTAGAGAGCAGTATCTTTA-3'

ClinVar aggregate classification (germline): Benign. Review status: criteria provided, multiple submitters, no conflicts (2 of 4 stars). 3 submissions from 3 submitters: Benign (3). Last evaluated 2024-07-15.

Allele frequency attached by ClinVar (database versions not stated): ExAC 0.83714; gnomAD exomes 0.83811; ESP Exome Variant Server 0.85145; gnomAD 0.85640 and 0.85882; TOPMed 0.86339; 1000 Genomes Project 0.86402; 1000 Genomes Project 30x 0.86805.

Submissions (3):

Unidad de Genómica Garrahan, Hospital de Pediatría Garrahan
Classification: Benign. Last evaluated: 2024-07-15. Review status: criteria provided, single submitter. Criteria: ACMG Guidelines, 2015. Collection method: clinical testing. Allele origin: germline. Affected: no. Observed: 89 variant alleles.
Comment: This variant is classified as Benign based on local population frequency. This variant was detected in 96% of patients studied in a panel designed for Epileptic and Developmental Encephalopathy and Progressive Myoclonus Epilepsy. Number of patients: 89. Only high quality variants are reported.

GeneDx
Classification: Benign. Last evaluated: 2018-11-10. Review status: criteria provided, single submitter. Criteria: GeneDx Variant Classification Process June 2021. Collection method: clinical testing. Allele origin: germline. Affected: yes.

Breakthrough Genomics
Classification: Benign. Review status: criteria provided, single submitter. Criteria: ACMG Guidelines, 2015. Collection method: not provided. Allele origin: germline. Inheritance: Unknown mechanism. Affected: yes.